The following is an entry in ClinVar:

ClinVar aggregate classification (germline): Uncertain significance (1 of 4 stars; one submission).

Conditions:
Tuberous sclerosis 2 (TSC2). Identifiers: Orphanet 805, MedGen C1860707, MONDO:0013199, OMIM 613254.

Submission:

Labcorp Genetics (formerly Invitae), Labcorp
Classification: Uncertain significance for Tuberous sclerosis 2. Last evaluated: 2021-12-25. Review status: criteria provided, single submitter. Criteria: Invitae Variant Classification Sherloc (09022015). Collection method: clinical testing. Allele origin: germline.
Comment: This sequence change replaces glutamic acid, which is acidic and polar, with lysine, which is basic and polar, at codon 37 of the TSC2 protein (p.Glu37Lys). This variant is not present in population databases (gnomAD no frequency). This variant has not been reported in the literature in individuals affected with TSC2-related conditions. Advanced modeling of protein sequence and biophysical properties (such as structural, functional, and spatial information, amino acid conservation, physicochemical variation, residue mobility, and thermodynamic stability) performed at Invitae indicates that this missense variant is not expected to disrupt TSC2 protein function. In summary, the available evidence is currently insufficient to determine the role of this variant in disease. Therefore, it has been classified as a Variant of Uncertain Significance.

NM_000548.5(TSC2):c.109G>A (p.Glu37Lys)

Gene: TSC2 (TSC complex subunit 2; plus strand). Cytogenetic location: 16p13.3.
Variant type: single nucleotide variant.
Coding change: c.109G>A on transcript NM_000548.5 (MANE Select); coding-DNA position 109, G replaced by A.
Protein change: p.Glu37Lys; replaces glutamic acid 37 with lysine.
Molecular consequence: missense variant. On other transcripts: 5 prime UTR variant (1), intron variant (1).
Genome position (GRCh38, 1-based): chr16:2,048,724, G>A. VCF-style: chr16-2048724-G-A. GRCh37 (hg19) VCF-style: chr16-2098725-G-A.
Other names: c.109G>A, p.Glu37Lys (NM_001077183.3, NM_001114382.3, NM_001318827.2 and 13 more transcripts); c.-118G>A (NM_001318831.2, NM_001406682.1, NM_001406684.1 and 2 more transcripts); c.142G>A, p.Glu48Lys (NM_001318832.2); c.-708G>A (NM_001406680.1, NM_001406683.1, NM_001406687.1); c.-337G>A (NM_001406681.1); c.-1323G>A (NM_001406689.1, NM_001406690.1, NM_001406691.1 and 2 more transcripts); c.-1629G>A (NM_001406693.1); c.-1204G>A (NM_001406694.1, NM_001406695.1); and 3 more; short protein forms E37K, E48K.
Identifiers: ClinVar variation 2060718 (VCV002060718.4), dbSNP rs2150972985, ClinGen allele CA394301556.